The following is an entry in ClinVar:

NM_000548.5(TSC2):c.1020G>A (p.Leu340=)

Gene: TSC2 (TSC complex subunit 2; plus strand). Cytogenetic location: 16p13.3.
Variant type: single nucleotide variant.
Coding change: c.1020G>A on transcript NM_000548.5 (MANE Select); coding-DNA position 1020, G replaced by A.
Protein change: p.Leu340=; no amino-acid change (leucine 340 retained).
Molecular consequence: synonymous variant. On other transcripts: 5 prime UTR variant (10), non-coding transcript variant (5).
Genome position (GRCh38, 1-based): chr16:2,060,714, G>A. VCF-style: chr16-2060714-G-A. GRCh37 (hg19) VCF-style: chr16-2110715-G-A.
Other names: c.1020G>A, p.Leu340= (NM_001406663.1, NM_001406664.1, NM_001406665.1 and 6 more transcripts); c.1008G>A, p.Leu336= (NM_001406673.1, NM_001406671.1); c.873G>A, p.Leu291= (NM_001406675.1, NM_001406676.1, NM_001406679.1 and 1 more transcripts); c.963G>A, p.Leu321= (NM_001406677.1); c.1110G>A, p.Leu370= (NM_001406668.1, NM_001406667.1); c.909G>A, p.Leu303= (NM_001406670.1, NM_001406678.1, NM_001318827.2); c.420G>A, p.Leu140= (NM_001406680.1, NM_001406682.1, NM_001406683.1 and 6 more transcripts); c.558G>A, p.Leu186= (NM_001406681.1); and 4 more.
Identifiers: ClinVar variation 4071135 (VCV004071135.1).
Genomic context (GRCh38, chr16:2,060,714, plus strand): 5'-CGGGCTCGTGTTCCAGGCCATGGCATGTCCGAACGAGGTGGTGTCCTATGAGATCGTCCT[G>A]TCCATCACCAGGCTCATCAAGAAGTATAGGAAGGAGCTCCAGGTGGTGGCGTGGGACATT-3'
Protein context (NP_000539.2, residues 330-350): PNEVVSYEIV[Leu340=]SITRLIKKYR

ClinVar aggregate classification (germline): Benign (1 of 4 stars; one submission).

Conditions:
Tuberous sclerosis 2 (TSC2). Identifiers: Orphanet 805, MedGen C1860707, MONDO:0013199, OMIM 613254.

Submission:

Myriad Genetics, Inc.
Classification: Benign for Tuberous sclerosis 2. Last evaluated: 2025-05-13. Review status: criteria provided, single submitter. Criteria: Myriad Autosomal Dominant, Autosomal Recessive and X-Linked Classification Criteria (2023). Collection method: clinical testing. Allele origin: unknown.
Comment: This variant is considered benign. This variant is a silent/synonymous amino acid change and it is not expected to impact splicing.